The following is an entry in ClinVar:

ClinVar aggregate classification (germline): Uncertain significance (1 of 4 stars; one submission).

gnomAD v4.1: 1 of 1,611,518 alleles (0.000062%); highest among the groups gnomAD compares: South Asian, 0.0011%; no homozygotes.

Submission:

Labcorp Genetics (formerly Invitae), Labcorp
Classification: Uncertain significance. Last evaluated: 2024-03-16. Review status: criteria provided, single submitter. Criteria: Invitae Variant Classification Sherloc (09022015). Collection method: clinical testing. Allele origin: germline.
Comment: This sequence change replaces glutamine, which is neutral and polar, with glutamic acid, which is acidic and polar, at codon 167 of the TNFRSF6B protein (p.Gln167Glu). The frequency data for this variant in the population databases is considered unreliable, as metrics indicate poor data quality at this position in the gnomAD database. This variant has not been reported in the literature in individuals affected with TNFRSF6B-related conditions. An algorithm developed to predict the effect of missense changes on protein structure and function (PolyPhen-2) suggests that this variant is likely to be tolerated. In summary, the available evidence is currently insufficient to determine the role of this variant in disease. Therefore, it has been classified as a Variant of Uncertain Significance.

NM_003823.4(TNFRSF6B):c.499C>G (p.Gln167Glu)

Genes: RTEL1-TNFRSF6B (RTEL1-TNFRSF6B readthrough (NMD candidate); plus strand), TNFRSF6B (TNF receptor superfamily member 6b; plus strand). Cytogenetic location: 20q13.33.
Variant type: single nucleotide variant.
Coding change: c.499C>G on transcript NM_003823.4 (MANE Select); coding-DNA position 499, C replaced by G.
Protein change: p.Gln167Glu; replaces glutamine 167 with glutamic acid.
Molecular consequence: missense variant. On other transcripts: non-coding transcript variant (1).
Genome position (GRCh38, 1-based): chr20:63,697,402, C>G. VCF-style: chr20-63697402-C-G. GRCh37 (hg19) VCF-style: chr20-62328755-C-G.
Other names: short protein forms Q167E.
Identifiers: ClinVar variation 3682591 (VCV003682591.2).